The following is an entry in ClinVar:

ClinVar aggregate classification (germline): Uncertain significance. Review status: criteria provided, multiple submitters, no conflicts (2 of 4 stars). 2 submissions from 2 submitters: Uncertain significance (2). Last evaluated 2023-08-05.

Conditions:
Hereditary cancer-predisposing syndrome. Also called: Hereditary Cancer Syndrome; Hereditary neoplastic syndrome; Neoplastic Syndromes, Hereditary; Tumor predisposition. Identifiers: Orphanet 140162, MedGen C0027672, MeSH D009386, MONDO:0015356.

Allele frequency attached by ClinVar (database versions not stated): ExAC 0.00001.
gnomAD v4.1: 1 of 1,614,192 alleles (0.000062%); highest among the groups gnomAD compares: Non-Finnish European, 0.000085%; no homozygotes.

Submissions (2):

Ambry Genetics
Classification: Uncertain significance for Hereditary cancer-predisposing syndrome. Last evaluated: 2023-08-05. Review status: criteria provided, single submitter. Criteria: Ambry Variant Classification Scheme 2023. Collection method: clinical testing. Allele origin: germline.
Comment: The p.T748I variant (also known as c.2243C>T), located in coding exon 5 of the PALB2 gene, results from a C to T substitution at nucleotide position 2243. The threonine at codon 748 is replaced by isoleucine, an amino acid with similar properties. This amino acid position is conserved. In addition, this alteration is predicted to be tolerated by in silico analysis. Since supporting evidence is limited at this time, the clinical significance of this alteration remains unclear.

GeneDx
Classification: Uncertain significance. Last evaluated: 2023-06-21. Review status: criteria provided, single submitter. Criteria: GeneDx Variant Classification Process June 2021. Collection method: clinical testing. Allele origin: germline. Affected: yes.
Comment: Not observed at significant frequency in large population cohorts (gnomAD); In silico analysis supports that this missense variant does not alter protein structure/function; Has not been previously published as pathogenic or benign to our knowledge

NM_024675.4(PALB2):c.2243C>T (p.Thr748Ile)

Gene: PALB2 (partner and localizer of BRCA2; minus strand). Cytogenetic location: 16p12.2.
Variant type: single nucleotide variant.
Coding change: c.2243C>T on transcript NM_024675.4 (MANE Select); coding-DNA position 2243, C replaced by T.
Protein change: p.Thr748Ile; replaces threonine 748 with isoleucine.
Molecular consequence: missense variant. On other transcripts: intron variant (1).
Genome position (GRCh38, 1-based): chr16:23,629,911, G>A on the plus strand (C>T on the coding strand, the complement: PALB2 is on the minus strand). VCF-style: chr16-23629911-G-A. GRCh37 (hg19) VCF-style: chr16-23641232-G-A.
Other names: c.2183C>T, p.Thr728Ile (NM_001407296.1); c.2243C>T, p.Thr748Ile (NM_001407297.1, NM_001407298.1, NM_001407299.1 and 3 more transcripts); c.1358C>T, p.Thr453Ile (NM_001407304.1, NM_001407305.1, NM_001407306.1 and 5 more transcripts); c.455C>T, p.Thr152Ile (NM_001407312.1, NM_001407313.1); c.49-636C>T (NM_001407314.1); short protein forms T152I, T453I, T728I, T748I.
Identifiers: ClinVar variation 2506787 (VCV002506787.3), dbSNP rs762533408, ClinGen allele CA7963607.